The following is an entry in ClinVar:

ClinVar aggregate classification (germline): Uncertain significance (1 of 4 stars; one submission).

Conditions:
Axenfeld-Rieger syndrome type 3 (RIEG3). Also called: AXENFELD-RIEGER ANOMALY WITH CARDIAC DEFECTS AND/OR SENSORINEURAL HEARING LOSS. Identifiers: Orphanet 782, MedGen C2678503, MONDO:0011233, OMIM 602482.

Submission:

Labcorp Genetics (formerly Invitae), Labcorp
Classification: Uncertain significance for Axenfeld-Rieger syndrome type 3. Last evaluated: 2023-06-14. Review status: criteria provided, single submitter. Criteria: Invitae Variant Classification Sherloc (09022015). Collection method: clinical testing. Allele origin: germline.
Comment: This variant is not present in population databases (gnomAD no frequency). This sequence change affects codon 36 of the FOXC1 mRNA. It is a 'silent' change, meaning that it does not change the encoded amino acid sequence of the FOXC1 protein. This variant has not been reported in the literature in individuals affected with FOXC1-related conditions. In summary, the available evidence is currently insufficient to determine the role of this variant in disease. Therefore, it has been classified as a Variant of Uncertain Significance.

NM_001453.3(FOXC1):c.108C>G (p.Gly36=)

Gene: FOXC1 (forkhead box C1; plus strand). Cytogenetic location: 6p25.3.
Variant type: single nucleotide variant.
Coding change: c.108C>G on transcript NM_001453.3 (MANE Select); coding-DNA position 108, C replaced by G.
Protein change: p.Gly36=; no amino-acid change (glycine 36 retained).
Molecular consequence: synonymous variant.
Genome position (GRCh38, 1-based): chr6:1,610,553, C>G. VCF-style: chr6-1610553-C-G. GRCh37 (hg19) VCF-style: chr6-1610788-C-G.
Identifiers: ClinVar variation 2713006 (VCV002713006.3), dbSNP rs2113110887, ClinGen allele CA448393360.
Genomic context (GRCh38, chr6:1,610,553, plus strand): 5'-GCCCTACCTCGGCGGCGAGCAGAGCTACTACCGCGCGGCGGCCGCGGCGGCCGGGGGCGG[C>G]TACACCGCCATGCCGGCCCCCATGAGCGTGTACTCGCACCCTGCGCACGCCGAGCAGTAC-3'
Protein context (NP_001444.2, residues 26-46): YRAAAAAAGG[Gly36=]YTAMPAPMSV